The following is an entry in ClinVar:

NM_001184.4(ATR):c.1292G>A (p.Arg431Lys)

Gene: ATR (ATR checkpoint kinase; minus strand). Cytogenetic location: 3q23.
Variant type: single nucleotide variant.
Coding change: c.1292G>A on transcript NM_001184.4 (MANE Select); coding-DNA position 1292, G replaced by A.
Protein change: p.Arg431Lys; replaces arginine 431 with lysine.
Molecular consequence: missense variant.
Genome position (GRCh38, 1-based): chr3:142,561,300, C>T on the plus strand (G>A on the coding strand, the complement: ATR is on the minus strand). VCF-style: chr3-142561300-C-T. GRCh37 (hg19) VCF-style: chr3-142280142-C-T.
Other names: c.1292G>A, p.Arg431Lys (NM_001354579.2); short protein forms R431K.
Identifiers: ClinVar variation 2567784 (VCV002567784.2), dbSNP rs2108485182, ClinGen allele CA354823227.

ClinVar aggregate classification (germline): Uncertain significance (1 of 4 stars; one submission).

Conditions:
Inborn genetic diseases. Identifiers: MedGen C0950123, MeSH D030342.

Submission:

Ambry Genetics
Classification: Uncertain significance for Inborn genetic diseases. Last evaluated: 2023-03-23. Review status: criteria provided, single submitter. Criteria: Ambry Variant Classification Scheme 2023. Collection method: clinical testing. Allele origin: germline.
Comment: The p.R431K variant (also known as c.1292G>A), located in coding exon 5 of the ATR gene, results from a G to A substitution at nucleotide position 1292. The arginine at codon 431 is replaced by lysine, an amino acid with highly similar properties. This amino acid position is conserved. In addition, this alteration is predicted to be tolerated by in silico analysis. Since supporting evidence is limited at this time, the clinical significance of this alteration remains unclear.